The following is an entry in ClinVar:

ClinVar aggregate classification (germline): Uncertain significance (0 of 4 stars; one submission).

Conditions:
ADCY3-related disorder. Also called: ADCY3-related condition.

gnomAD v4.1: 7 of 1,591,160 alleles (0.00044%); highest among the groups gnomAD compares: Non-Finnish European, 0.0006%; no homozygotes.

Submission:

PreventionGenetics, part of Exact Sciences
Classification: Uncertain significance for ADCY3-related condition. Last evaluated: 2024-08-13. Review status: no assertion criteria provided. Collection method: clinical testing. Allele origin: germline.
Comment: The ADCY3 c.1132G>A variant is predicted to result in the amino acid substitution p.Asp378Asn. To our knowledge, this variant has not been reported in the literature or in gnomAD, indicating this variant is rare. At this time, the clinical significance of this variant is uncertain due to the absence of conclusive functional and genetic evidence.

NM_004036.5(ADCY3):c.1132G>A (p.Asp378Asn)

Gene: ADCY3 (adenylate cyclase 3; minus strand). Cytogenetic location: 2p23.3.
Variant type: single nucleotide variant.
Coding change: c.1132G>A on transcript NM_004036.5 (MANE Select); coding-DNA position 1132, G replaced by A.
Protein change: p.Asp378Asn; replaces aspartic acid 378 with asparagine.
Molecular consequence: missense variant.
Genome position (GRCh38, 1-based): chr2:24,841,323, C>T on the plus strand (G>A on the coding strand, the complement: ADCY3 is on the minus strand). VCF-style: chr2-24841323-C-T. GRCh37 (hg19) VCF-style: chr2-25064192-C-T.
Other names: c.1132G>A, p.Asp378Asn (NM_001320613.2, NM_001377128.1, NM_001377129.1 and 2 more transcripts); c.409G>A, p.Asp137Asn (NM_001377131.1); short protein forms D137N, D378N.
Identifiers: ClinVar variation 3352039 (VCV003352039.1).
Genomic context (GRCh38, chr2:24,841,323, plus strand): 5'-TGGCCTCCACCATGGCCAGCCCCATGAGGATGGAGCAGACGGCGTGGTCCTCCCGGTAGT[C>T]GGGCAAGCCGCAGATGCAGTAGTAGCAGTCGCCCAGGATCTTAATCCGCAGCTGGTGGTA-3'
Protein context (NP_004027.2, residues 368-388): DCYYCICGLP[Asp378Asn]YREDHAVCSI